The following is an entry in ClinVar:

NM_016373.4(WWOX):c.231-17C>A

Gene: WWOX (WW domain containing oxidoreductase; plus strand). Cytogenetic location: 16q23.1.
Variant type: single nucleotide variant.
Coding change: c.231-17C>A on transcript NM_016373.4 (MANE Select); 17 bases into the intron before coding-DNA position 231, C replaced by A.
Molecular consequence: intron variant.
Genome position (GRCh38, 1-based): chr16:78,114,959, C>A. VCF-style: chr16-78114959-C-A. GRCh37 (hg19) VCF-style: chr16-78148856-C-A.
Other names: c.-109-17C>A (NM_001291997.2); c.231-17C>A (NM_130791.5).
Identifiers: ClinVar variation 388337 (VCV000388337.11), dbSNP rs372361154, ClinGen allele CA8183118.

ClinVar aggregate classification (germline): Likely benign. Review status: criteria provided, multiple submitters, no conflicts (2 of 4 stars). 4 submissions from 4 submitters: Likely benign (4). Last evaluated 2026-01-31.

Conditions:
Autosomal recessive spinocerebellar ataxia 12. Also called: SPINOCEREBELLAR ATAXIA WITH MENTAL RETARDATION AND EPILEPSY. Identifiers: Orphanet 284282, MedGen C3280452, MONDO:0013687, OMIM 614322.
Developmental and epileptic encephalopathy, 1 (DEE1). Also called: Epileptic encephalopathy, early infantile, 1; X-linked infantile spasms; West's syndrome; Tonic spasms with clustering, arrest of psychomotor development and hypsarrhythmia on EEG; X-Linked Infantile Spasm Syndrome; OHTAHARA SYNDROME, X-LINKED. Identifiers: MedGen C3463992, MONDO:0010632, OMIM 308350. Disease mechanism: loss of function.

Allele frequency attached by ClinVar (database versions not stated): 1000 Genomes Project 0.00040; 1000 Genomes Project 30x 0.00047; TOPMed 0.00061; ESP Exome Variant Server 0.00076.
gnomAD v4.1: 156 of 1,614,130 alleles (0.0097%); highest among the groups gnomAD compares: African/African-American, 0.2%; no homozygotes.

Submissions (4):

Labcorp Genetics (formerly Invitae), Labcorp
Classification: Likely benign for Developmental and epileptic encephalopathy, 1; Autosomal recessive spinocerebellar ataxia 12. Last evaluated: 2026-01-31. Review status: criteria provided, single submitter. Criteria: Invitae Variant Classification Sherloc (09022015). Collection method: clinical testing. Allele origin: germline.

Women's Health and Genetics/Laboratory Corporation of America, LabCorp
Classification: Likely benign. Last evaluated: 2024-09-23. Review status: criteria provided, single submitter. Criteria: LabCorp Variant Classification Summary - May 2015. Collection method: clinical testing. Allele origin: germline.

Center for Pediatric Genomic Medicine, Children's Mercy Hospital and Clinics
Classification: Likely benign. Last evaluated: 2017-08-24. Review status: criteria provided, single submitter. Criteria: ACMG Guidelines, 2015. Collection method: clinical testing. Allele origin: germline.

GeneDx
Classification: Likely benign. Last evaluated: 2017-03-27. Review status: criteria provided, single submitter. Criteria: GeneDx Variant Classification (06012015). Collection method: clinical testing. Allele origin: germline. Affected: yes.
Comment: This variant is considered likely benign or benign based on one or more of the following criteria: it is a conservative change, it occurs at a poorly conserved position in the protein, it is predicted to be benign by multiple in silico algorithms, and/or has population frequency not consistent with disease.